The following is an entry in ClinVar:

ClinVar aggregate classification (germline): Likely benign (1 of 4 stars; one submission).

Conditions:
Malignant hyperthermia, susceptibility to, 1 (MHS1). Also called: RYR1-Related Malignant Hyperthermia Susceptibility; Anesthesia related hyperthermia; Malignant hyperpyrexia; Fulminating hyperpyrexia; Pharmacogenic myopathy; Malignant hyperthermia suceptibility 1. Identifiers: Orphanet 423, MedGen C2930980, MONDO:0007783, OMIM 145600.

Submission:

All of Us Research Program, National Institutes of Health
Classification: Likely benign for Malignant hyperthermia, susceptibility to, 1. Last evaluated: 2023-03-23. Review status: criteria provided, single submitter. Criteria: ACMG Guidelines, 2015. Collection method: clinical testing. Allele origin: germline. Inheritance: Autosomal dominant inheritance. Observed: 1 variant allele, 1 heterozygote.
Comment: This study involves interpretation of variants in research participants for the purpose of population health screening. Participant phenotype was not available at the time of variant classification. Additional details can be found in publication PMID: 35346344, PMCID: PMC8962531

NM_000540.3(RYR1):c.4221G>A (p.Leu1407=)

Gene: RYR1 (ryanodine receptor 1; plus strand). Cytogenetic location: 19q13.2.
Variant type: single nucleotide variant.
Coding change: c.4221G>A on transcript NM_000540.3 (MANE Select); coding-DNA position 4221, G replaced by A.
Protein change: p.Leu1407=; no amino-acid change (leucine 1407 retained).
Molecular consequence: synonymous variant.
Genome position (GRCh38, 1-based): chr19:38,475,378, G>A. VCF-style: chr19-38475378-G-A. GRCh37 (hg19) VCF-style: chr19-38966018-G-A.
Other names: c.4221G>A, p.Leu1407= (NM_001042723.2).
Identifiers: ClinVar variation 3069906 (VCV003069906.1), dbSNP rs2514163701, ClinGen allele CA507235854.